The following is an entry in ClinVar:

NM_001037.5(SCN1B):c.182A>G (p.Gln61Arg)

Gene: SCN1B (sodium voltage-gated channel beta subunit 1; plus strand). Cytogenetic location: 19q13.11.
Variant type: single nucleotide variant.
Coding change: c.182A>G on transcript NM_001037.5 (MANE Select); coding-DNA position 182, A replaced by G.
Protein change: p.Gln61Arg; replaces glutamine 61 with arginine.
Molecular consequence: missense variant.
Genome position (GRCh38, 1-based): chr19:35,032,669, A>G. VCF-style: chr19-35032669-A-G. GRCh37 (hg19) VCF-style: chr19-35523573-A-G.
Other names: c.83A>G, p.Gln28Arg (NM_001321605.2); c.182A>G, p.Gln61Arg (NM_199037.5); short protein forms Q28R, Q61R.
Identifiers: ClinVar variation 1510320 (VCV001510320.6), dbSNP rs2151746034, ClinGen allele CA405328299.

ClinVar aggregate classification (germline): Uncertain significance (1 of 4 stars; one submission).

Conditions:
Brugada syndrome 5 (BRGDA5). Identifiers: Orphanet 130, Orphanet 871, MedGen C2748541, MONDO:0013015, OMIM 612838.

Submission:

Labcorp Genetics (formerly Invitae), Labcorp
Classification: Uncertain significance for Brugada syndrome 5. Last evaluated: 2022-10-13. Review status: criteria provided, single submitter. Criteria: Invitae Variant Classification Sherloc (09022015). Collection method: clinical testing. Allele origin: germline.
Comment: In summary, the available evidence is currently insufficient to determine the role of this variant in disease. Therefore, it has been classified as a Variant of Uncertain Significance. Algorithms developed to predict the effect of missense changes on protein structure and function are either unavailable or do not agree on the potential impact of this missense change (SIFT: "Tolerated"; PolyPhen-2: "Possibly Damaging"; Align-GVGD: "Class C0"). ClinVar contains an entry for this variant (Variation ID: 1510320). This variant has not been reported in the literature in individuals affected with SCN1B-related conditions. This variant is not present in population databases (gnomAD no frequency). This sequence change replaces glutamine, which is neutral and polar, with arginine, which is basic and polar, at codon 61 of the SCN1B protein (p.Gln61Arg).